The following is an entry in ClinVar:

NM_005159.5(ACTC1):c.537T>A (p.Arg179=)

Genes: ACTC1 (actin alpha cardiac muscle 1; minus strand), GJD2-DT (GJD2 divergent transcript; plus strand). Cytogenetic location: 15q14.
Variant type: single nucleotide variant.
Coding change: c.537T>A on transcript NM_005159.5 (MANE Select); coding-DNA position 537, T replaced by A.
Protein change: p.Arg179=; no amino-acid change (arginine 179 retained).
Molecular consequence: synonymous variant.
Genome position (GRCh38, 1-based): chr15:34,792,487, A>T on the plus strand (T>A on the coding strand, the complement: ACTC1 is on the minus strand). VCF-style: chr15-34792487-A-T. GRCh37 (hg19) VCF-style: chr15-35084688-A-T.
Other names: c.537T>A (LRG_388t1).
Identifiers: ClinVar variation 315711 (VCV000315711.27), dbSNP rs750131288, ClinGen allele CA042059.

ClinVar aggregate classification (germline): Conflicting classifications of pathogenicity. Review status: criteria provided, conflicting classifications (1 of 4 stars). 10 submissions from 9 submitters: Uncertain significance (2); Likely benign (5). 3 of the submissions do not count toward it. Last evaluated 2025-12-29.

Conditions:
Dilated cardiomyopathy 1R (CMD1R). Identifiers: Orphanet 154, Orphanet 54260, MedGen C3150681, MONDO:0013261, OMIM 613424.
Cardiovascular phenotype. Identifiers: MedGen CN230736.
Cardiomyopathy (CMYO). Also called: Cardiomyopathies. Identifiers: Orphanet 167848, MedGen C0878544, MONDO:0004994, HP:0001638. Inheritance: Various modes of inheritance.
ACTC1-related disorder. Also called: ACTC1-related condition.
Atrial septal defect 5 (ASD5). Identifiers: Orphanet 1478, MedGen C2748552, MONDO:0013011, OMIM 612794.
Hypertrophic cardiomyopathy 11. Also called: ACTC1-Related Familial Hypertrophic Cardiomyopathy. Identifiers: MedGen C2677506, MONDO:0012799, OMIM 612098.
Hypertrophic cardiomyopathy. Also called: HYPERTROPHIC MYOCARDIOPATHY. Identifiers: Orphanet 217569, MedGen C0007194, MeSH D002312, MONDO:0005045, HP:0001639.

Allele frequency attached by ClinVar (database versions not stated): TOPMed 0.00001.
gnomAD v4.1: 112 of 1,614,030 alleles (0.0069%); highest among the groups gnomAD compares: Non-Finnish European, 0.0092%; 1 homozygote.

Submissions (10):

Labcorp Genetics (formerly Invitae), Labcorp
Classification: Likely benign for Dilated cardiomyopathy 1R; Hypertrophic cardiomyopathy 11; Atrial septal defect 5. Last evaluated: 2025-12-29. Review status: criteria provided, single submitter. Criteria: Invitae Variant Classification Sherloc (09022015). Collection method: clinical testing. Allele origin: germline.

All of Us Research Program, National Institutes of Health
Classification: Likely benign for Hypertrophic cardiomyopathy. Last evaluated: 2023-12-01. Review status: criteria provided, single submitter. Criteria: ACMG Guidelines, 2015. Collection method: clinical testing. Allele origin: germline. Inheritance: Autosomal dominant inheritance. Observed: 13 variant alleles, 13 heterozygotes.
Comment: This study involves interpretation of variants in research participants for the purpose of population health screening. Participant phenotype was not available at the time of variant classification. Additional details can be found in publication PMID: 35346344, PMCID: PMC8962531

GeneDx
Classification: Likely benign. Last evaluated: 2020-08-05. Review status: criteria provided, single submitter. Criteria: GeneDx Variant Classification Process June 2021. Collection method: clinical testing. Allele origin: germline. Affected: yes.

Ambry Genetics
Classification: Likely benign for Cardiovascular phenotype. Last evaluated: 2020-03-16. Review status: criteria provided, single submitter. Criteria: Ambry Variant Classification Scheme 2023. Collection method: clinical testing. Allele origin: germline.

Color Diagnostics, LLC DBA Color Health
Classification: Likely benign for Cardiomyopathy. Last evaluated: 2018-11-08. Review status: criteria provided, single submitter. Criteria: ACMG Guidelines, 2015. Collection method: clinical testing. Allele origin: germline.

Illumina Laboratory Services, Illumina
Classification: Uncertain significance for Dilated cardiomyopathy 1R. Last evaluated: 2018-01-12. Review status: criteria provided, single submitter. Criteria: ICSL Variant Classification Criteria 13 December 2019. Collection method: clinical testing. Allele origin: germline.

Illumina Laboratory Services, Illumina
Classification: Uncertain significance for Hypertrophic cardiomyopathy 11. Last evaluated: 2018-01-12. Review status: criteria provided, single submitter. Criteria: ICSL Variant Classification Criteria 13 December 2019. Collection method: clinical testing. Allele origin: germline.

PreventionGenetics, part of Exact Sciences
Classification: Likely benign for ACTC1-related condition. Last evaluated: 2024-04-26. Review status: no assertion criteria provided. Collection method: clinical testing. Allele origin: germline. Not counted in ClinVar's aggregate classification.
Comment: This variant is classified as likely benign based on ACMG/AMP sequence variant interpretation guidelines (Richards et al. 2015 PMID: 25741868, with internal and published modifications).

Clinical Genetics DNA and cytogenetics Diagnostics Lab, Erasmus MC, Erasmus Medical Center
Classification: Likely benign. Review status: no assertion criteria provided. Collection method: clinical testing. Allele origin: germline. Affected: yes. Study: VKGL Data-share Consensus. Not counted in ClinVar's aggregate classification.

Joint Genome Diagnostic Labs from Nijmegen and Maastricht, Radboudumc and MUMC+
Classification: Likely benign. Review status: no assertion criteria provided. Collection method: clinical testing. Allele origin: germline. Affected: yes. Study: VKGL Data-share Consensus. Not counted in ClinVar's aggregate classification.